The following is an entry in ClinVar:

NM_000394.4(CRYAA):c.440del (p.Gln147fs)

Gene: CRYAA (crystallin alpha A; plus strand). Cytogenetic location: 21q22.3.
Variant type: Deletion.
Coding change: c.440del on transcript NM_000394.4 (MANE Select); coding-DNA position 440, one base deleted (A; older notation c.440delA).
Protein change: p.Gln147fs; shifts the reading frame from glutamine 147.
Molecular consequence: frameshift variant.
Genome position (GRCh38, 1-based): chr21:43,172,198, A deleted. VCF-style (leftmost placement, unchanged base first): chr21-43172197-CA-C. GRCh37 (hg19) VCF-style: chr21-44592307-CA-C.
Other names: c.329del, p.Gln110fs (NM_001363766.1); short protein forms Q147fs, Q110fs.
Identifiers: ClinVar variation 252948 (VCV000252948.10), dbSNP rs1114167311, ClinGen allele CA16609303.

ClinVar aggregate classification (germline): Conflicting classifications of pathogenicity. Review status: criteria provided, conflicting classifications (1 of 4 stars). 3 submissions from 3 submitters: Likely pathogenic (1); Uncertain significance (1). 1 of the submissions does not count toward it. Last evaluated 2024-07-08.

Conditions:
Cataract 9 multiple types. Also called: Cataract 9, multiple types, with or without microcornea; Cataract, autosomal recessive congenital 1. Identifiers: Orphanet 1377, MedGen C1858679, MONDO:0011413, OMIM 604219.
Developmental cataract. Also called: Congenital cataracts; Bilateral cataracts; Congenital cataract. Identifiers: MedGen C0009691, HP:0000519.

Submissions (3):

Labcorp Genetics (formerly Invitae), Labcorp
Classification: Likely pathogenic for Cataract 9 multiple types. Last evaluated: 2024-07-08. Review status: criteria provided, single submitter. Criteria: Invitae Variant Classification Sherloc (09022015). Collection method: clinical testing. Allele origin: germline.
Comment: This sequence change results in a frameshift in the CRYAA gene (p.Gln147Argfs*48). While this is not anticipated to result in nonsense mediated decay, it is expected to disrupt the last 27 amino acid(s) of the CRYAA protein and extend the protein by 20 additional amino acid residues. This variant is not present in population databases (gnomAD no frequency). This frameshift has been observed in individuals with congenital cataract (PMID: 28839118; Invitae). It has also been observed to segregate with disease in related individuals. ClinVar contains an entry for this variant (Variation ID: 252948). In summary, the currently available evidence indicates that the variant is pathogenic, but additional data are needed to prove that conclusively. Therefore, this variant has been classified as Likely Pathogenic.

GeneDx
Classification: Uncertain significance. Last evaluated: 2022-05-24. Review status: criteria provided, single submitter. Criteria: GeneDx Variant Classification Process June 2021. Collection method: clinical testing. Allele origin: germline. Affected: yes.
Comment: Frameshift variant predicted to result in protein truncation in a gene or region of a gene for which loss of function is not a well-established mechanism of disease; Not observed at significant frequency in large population cohorts (gnomAD); This variant is associated with the following publications: (PMID: 35526854, 28839118)

Department of Ophthalmology, Flinders University
Classification: Likely pathogenic for Developmental cataract. Last evaluated: 2016-07-29. Review status: no assertion criteria provided. Collection method: clinical testing. Allele origin: inherited. Affected: yes. Not counted in ClinVar's aggregate classification.

Literature cited by the submitters: PubMed 28839118 (cited by Labcorp Genetics (formerly Invitae), Labcorp).